The following is an entry in ClinVar:

ClinVar aggregate classification (germline): Pathogenic (1 of 4 stars; one submission).

Conditions:
Seizures, benign familial infantile, 3 (BFIS3). Also called: CONVULSIONS, BENIGN FAMILIAL INFANTILE, 3; Familial neonatal seizures. Identifiers: Orphanet 140927, Orphanet 306, MedGen C1843140, MONDO:0011904, OMIM 607745.
Developmental and epileptic encephalopathy, 11 (DEE11). Also called: Early infantile epileptic encephalopathy 11. Identifiers: Orphanet 1934, MedGen C3150987, MONDO:0013388, OMIM 613721.

Submission:

Labcorp Genetics (formerly Invitae), Labcorp
Classification: Pathogenic for Seizures, benign familial infantile, 3; Developmental and epileptic encephalopathy, 11. Last evaluated: 2020-01-17. Review status: criteria provided, single submitter. Criteria: Invitae Variant Classification Sherloc (09022015). Collection method: clinical testing. Allele origin: germline.
Comment: For these reasons, this variant has been classified as Pathogenic. Advanced modeling of protein sequence and biophysical properties (such as structural, functional, and spatial information, amino acid conservation, physicochemical variation, residue mobility, and thermodynamic stability) performed at Invitae indicates that this missense variant is expected to disrupt SCN2A protein function. This variant has been observed in individual(s) with early infantile epileptic encephalopathy (PMID: 28379373, 27652284). In at least one individual the variant was observed to be de novo. ClinVar contains an entry for this variant (Variation ID: 665483). This variant is not present in population databases (ExAC no frequency). This sequence change replaces glutamine with glutamic acid at codon 1811 of the SCN2A protein (p.Gln1811Glu). The glutamine residue is highly conserved and there is a small physicochemical difference between glutamine and glutamic acid.

Literature cited by the submitters: PubMed 28379373; PubMed 27652284.

NM_001040142.2(SCN2A):c.5431C>G (p.Gln1811Glu)

Gene: SCN2A (sodium voltage-gated channel alpha subunit 2; plus strand). Cytogenetic location: 2q24.3.
Variant type: single nucleotide variant.
Coding change: c.5431C>G on transcript NM_001040142.2 (MANE Select); coding-DNA position 5431, C replaced by G.
Protein change: p.Gln1811Glu; replaces glutamine 1811 with glutamic acid.
Molecular consequence: missense variant.
Genome position (GRCh38, 1-based): chr2:165,389,237, C>G. VCF-style: chr2-165389237-C-G. GRCh37 (hg19) VCF-style: chr2-166245747-C-G.
Other names: c.5431C>G, p.Gln1811Glu (NM_001040143.2, NM_001371246.1, NM_001371247.1 and 1 more transcripts); short protein forms Q1811E.
Identifiers: ClinVar variation 665483 (VCV000665483.9), dbSNP rs1553463649, ClinGen allele CA349038969.